The following is an entry in ClinVar:

NM_014714.4(IFT140):c.217_218del (p.Arg73fs)

Genes: IFT140 (intraflagellar transport 140; minus strand), LOC105371046 (uncharacterized LOC105371046; plus strand). Cytogenetic location: 16p13.3.
Variant type: Microsatellite.
Coding change: c.217_218del on transcript NM_014714.4 (MANE Select); coding-DNA positions 217 to 218, 2 bases deleted (CG; older notation c.217_218delCG).
Protein change: p.Arg73fs; shifts the reading frame from arginine 73.
Molecular consequence: frameshift variant.
Genome position (GRCh38, 1-based): chr16:1,602,521-1,602,522, CG deleted on the plus strand (CG on the coding strand, the reverse complement: IFT140 is on the minus strand); deleting any 2 consecutive bases within chr16:1,602,521-1,602,524 gives the same sequence; the c. name uses the placement nearest the transcript's 3' end. VCF-style (leftmost placement, unchanged base first): chr16-1602520-CCG-C. GRCh37 (hg19) VCF-style: chr16-1652521-CCG-C.
Other names: short protein forms R73fs.
Identifiers: ClinVar variation 865848 (VCV000865848.8), dbSNP rs2035847573, ClinGen allele CA916083473.
Genomic context (GRCh38, chr16:1,602,520, plus strand): 5'-CTTGTCCTGCTTGTTAAACACCGTCACTTCTCCAGTCTCCCAGCCCACAGCCAGCACCAG[CCG>C]CGTCGGGTGCCAGCACAGGGAAGCAACCCGGAACGGCCTCTCGACGTGTGTATCTGGCAC-3'

ClinVar aggregate classification (germline): Pathogenic/Likely pathogenic. Review status: criteria provided, multiple submitters, no conflicts (2 of 4 stars). 2 submissions from 2 submitters: Pathogenic (1); Likely pathogenic (1). Last evaluated 2025-04-17.

Conditions:
IFT140-related disorders.
Saldino-Mainzer syndrome (SRTD9). Also called: Renal dysplasia, retinal pigmentary dystrophy, cerebellar ataxia and skeletal dysplasia; SHORT-RIB THORACIC DYSPLASIA 9 WITHOUT POLYDACTYLY; short-rib thoracic dysplasia 9 with or without polydactyly; CONORENAL SYNDROME. Identifiers: Orphanet 140969, MedGen C1849437, MONDO:0009964, OMIM 266920.

Submissions (2):

Labcorp Genetics (formerly Invitae), Labcorp
Classification: Pathogenic for Saldino-Mainzer syndrome. Last evaluated: 2025-04-17. Review status: criteria provided, single submitter. Criteria: Invitae Variant Classification Sherloc (09022015). Collection method: clinical testing. Allele origin: germline.
Comment: This sequence change creates a premature translational stop signal (p.Arg73Alafs*16) in the IFT140 gene. It is expected to result in an absent or disrupted protein product. Loss-of-function variants in IFT140 are known to be pathogenic (PMID: 22503633, 23418020, 24009529, 26216056). This variant is not present in population databases (gnomAD no frequency). This variant has not been reported in the literature in individuals affected with IFT140-related conditions. ClinVar contains an entry for this variant (Variation ID: 865848). For these reasons, this variant has been classified as Pathogenic.

Blueprint Genetics
Classification: Likely pathogenic for IFT140-related disorders. Last evaluated: 2018-06-20. Review status: criteria provided, single submitter. Criteria: ACMG Guidelines, 2015. Collection method: clinical testing. Allele origin: germline. Affected: yes. Observed: 1 variant allele.

Literature cited by the submitters: PubMed 22503633 (cited by Labcorp Genetics (formerly Invitae), Labcorp); PubMed 23418020 (cited by Labcorp Genetics (formerly Invitae), Labcorp); PubMed 24009529 (cited by Labcorp Genetics (formerly Invitae), Labcorp); PubMed 26216056 (cited by Labcorp Genetics (formerly Invitae), Labcorp).